The following is an entry in ClinVar:

ClinVar aggregate classification (germline): Uncertain significance (1 of 4 stars; one submission).

Conditions:
Immunodeficiency 14 (IMD14A). Also called: ACTIVATED PI3K-DELTA SYNDROME 1; Activated PI3K Delta Syndrome Type 1 (APDS1); p110-DELTA-ACTIVATING MUTATION CAUSING SENESCENT T CELLS, LYMPHADENOPATHY, AND IMMUNODEFICIENCY; IMMUNODEFICIENCY 14A WITH LYMPHOPROLIFERATION, AUTOSOMAL DOMINANT. Identifiers: Orphanet 397596, Orphanet 693661, MedGen C5907821, MONDO:0014222, OMIM 615513.

Allele frequency attached by ClinVar (database versions not stated): TOPMed 0.00001; gnomAD exomes 0.00007 and 0.00001; ExAC 0.00001.
gnomAD v4.1: 93 of 1,613,126 alleles (0.0058%); highest among the groups gnomAD compares: Non-Finnish European, 0.0078%; no homozygotes.

Submission:

Labcorp Genetics (formerly Invitae), Labcorp
Classification: Uncertain significance for Activated PI3K-delta syndrome. Last evaluated: 2021-08-28. Review status: criteria provided, single submitter. Criteria: Invitae Variant Classification Sherloc (09022015). Collection method: clinical testing. Allele origin: germline.
Comment: Algorithms developed to predict the effect of missense changes on protein structure and function are either unavailable or do not agree on the potential impact of this missense change (SIFT: "Tolerated"; PolyPhen-2: "Possibly Damaging"; Align-GVGD: "Class C0"). This variant has not been reported in the literature in individuals affected with PIK3CD-related conditions. This variant is present in population databases (rs755117692, ExAC 0.002%). This sequence change replaces glycine with cysteine at codon 958 of the PIK3CD protein (p.Gly958Cys). The glycine residue is moderately conserved and there is a large physicochemical difference between glycine and cysteine. In summary, the available evidence is currently insufficient to determine the role of this variant in disease. Therefore, it has been classified as a Variant of Uncertain Significance.

NM_005026.5(PIK3CD):c.2872G>T (p.Gly958Cys)

Gene: PIK3CD (phosphatidylinositol-4,5-bisphosphate 3-kinase catalytic subunit delta; plus strand). Cytogenetic location: 1p36.22.
Variant type: single nucleotide variant.
Coding change: c.2872G>T on transcript NM_005026.5 (MANE Select); coding-DNA position 2872, G replaced by T.
Protein change: p.Gly958Cys; replaces glycine 958 with cysteine.
Molecular consequence: missense variant.
Genome position (GRCh38, 1-based): chr1:9,724,811, G>T. VCF-style: chr1-9724811-G-T. GRCh37 (hg19) VCF-style: chr1-9784869-G-T.
Other names: c.2869G>T, p.Gly957Cys (NM_001350234.2); c.2785G>T, p.Gly929Cys (NM_001350235.1); short protein forms G958C, G957C, G929C.
Identifiers: ClinVar variation 1367621 (VCV001367621.6), dbSNP rs755117692, ClinGen allele CA577669.